The following is an entry in ClinVar:

NM_005359.6(SMAD4):c.606C>G (p.Ala202=)

Gene: SMAD4 (SMAD family member 4; plus strand). Cytogenetic location: 18q21.2.
Variant type: single nucleotide variant.
Coding change: c.606C>G on transcript NM_005359.6 (MANE Select); coding-DNA position 606, C replaced by G.
Protein change: p.Ala202=; no amino-acid change (alanine 202 retained).
Molecular consequence: synonymous variant.
Genome position (GRCh38, 1-based): chr18:51,054,932, C>G. VCF-style: chr18-51054932-C-G. GRCh37 (hg19) VCF-style: chr18-48581302-C-G.
Identifiers: ClinVar variation 220122 (VCV000220122.29), dbSNP rs780665234, ClinGen allele CA350005.

ClinVar aggregate classification (germline): Benign/Likely benign. Review status: criteria provided, multiple submitters, no conflicts (2 of 4 stars). 10 submissions from 10 submitters: Benign (1); Likely benign (8). 1 of the submissions does not count toward it. Last evaluated 2026-01-26.

Conditions:
Hereditary cancer-predisposing syndrome. Also called: Tumor predisposition; Neoplastic Syndromes, Hereditary; Hereditary Cancer Syndrome; Hereditary neoplastic syndrome. Identifiers: Orphanet 140162, MedGen C0027672, MeSH D009386, MONDO:0015356.
Familial thoracic aortic aneurysm and aortic dissection (TAAD). Also called: Thoracic aortic aneurysms and dissections. Identifiers: Orphanet 91387, MedGen C4707243, MONDO:0019625.
Juvenile polyposis/hereditary hemorrhagic telangiectasia syndrome (JPHT). Also called: Juvenile Polyposis Syndrome / Hereditary Hemorrhagic Telangiectasia (JPS/HHT); JP/HHT SYNDROME; JUVENILE POLYPOSIS WITH HEREDITARY HEMORRHAGIC TELANGIECTASIA; POLYPOSIS, GENERALIZED JUVENILE, WITH PULMONARY ARTERIOVENOUS MALFORMATION; TELANGIECTASIA, HEREDITARY HEMORRHAGIC, WITH JUVENILE POLYPOSIS COLI. Identifiers: Orphanet 2929, MedGen C1832942, MONDO:0008278, OMIM 175050.
Juvenile polyposis syndrome (JPS). Identifiers: Orphanet 2929, MedGen C0345893, MONDO:0017380, OMIM 174900.

Allele frequency attached by ClinVar (database versions not stated): gnomAD exomes below 0.00001 and 0.00001; ExAC 0.00002; TOPMed 0.00004; gnomAD 0.00006.
gnomAD v4.1: 20 of 1,613,992 alleles (0.0012%); highest among the groups gnomAD compares: Admixed American, 0.027%; no homozygotes.

Submissions (10):

Labcorp Genetics (formerly Invitae), Labcorp
Classification: Likely benign for Juvenile polyposis syndrome. Last evaluated: 2026-01-26. Review status: criteria provided, single submitter. Criteria: Invitae Variant Classification Sherloc (09022015). Collection method: clinical testing. Allele origin: germline.

Quest Diagnostics Nichols Institute San Juan Capistrano
Classification: Likely benign. Last evaluated: 2025-10-10. Review status: criteria provided, single submitter. Criteria: Quest Diagnostics criteria. Collection method: clinical testing. Allele origin: unknown.

Women's Health and Genetics/Laboratory Corporation of America, LabCorp
Classification: Likely benign. Last evaluated: 2024-10-21. Review status: criteria provided, single submitter. Criteria: LabCorp Variant Classification Summary - May 2015. Collection method: clinical testing. Allele origin: germline.
Comment: Variant summary: SMAD4 c.606C>G alters a conserved nucleotide resulting in a synonymous change. Consensus agreement among computation tools predict no significant impact on normal splicing. However, these predictions have yet to be confirmed by functional studies. The variant allele was found at a frequency of 1.2e-05 in 251480 control chromosomes. The available data on variant occurrences in the general population are insufficient to allow any conclusion about variant significance. To our knowledge, no occurrence of c.606C>G in individuals affected with Juvenile Polyposis Syndrome and no experimental evidence demonstrating its impact on protein function have been reported. ClinVar contains an entry for this variant (Variation ID: 220122). Based on the evidence outlined above, the variant was classified as likely benign.

Myriad Genetics, Inc.
Classification: Benign for Juvenile polyposis/hereditary hemorrhagic telangiectasia syndrome. Last evaluated: 2023-04-10. Review status: criteria provided, single submitter. Criteria: Myriad Autosomal Dominant, Autosomal Recessive and X-Linked Classification Criteria (2023). Collection method: clinical testing. Allele origin: unknown.
Comment: This variant is considered benign. This variant is a silent/synonymous amino acid change and it is not expected to impact splicing.

Sema4
Classification: Likely benign for Hereditary cancer-predisposing syndrome. Last evaluated: 2021-07-29. Review status: criteria provided, single submitter. Criteria: Sema4 Curation Guidelines. Collection method: curation. Allele origin: germline.

Blueprint Genetics
Classification: Likely benign. Last evaluated: 2021-05-31. Review status: criteria provided, single submitter. Criteria: ACMG Guidelines, 2015. Collection method: clinical testing. Allele origin: germline.

GeneDx
Classification: Likely benign. Last evaluated: 2020-10-01. Review status: criteria provided, single submitter. Criteria: GeneDx Variant Classification Process June 2021. Collection method: clinical testing. Allele origin: germline. Affected: yes.

Color Diagnostics, LLC DBA Color Health
Classification: Likely benign for Hereditary cancer-predisposing syndrome. Last evaluated: 2018-10-02. Review status: criteria provided, single submitter. Criteria: ACMG Guidelines, 2015. Collection method: clinical testing. Allele origin: germline.

Ambry Genetics
Classification: Likely benign for Hereditary cancer-predisposing syndrome; Familial thoracic aortic aneurysm and aortic dissection. Last evaluated: 2015-08-18. Review status: criteria provided, single submitter. Criteria: Ambry Variant Classification Scheme 2023. Collection method: clinical testing. Allele origin: germline.

Counsyl
Classification: Likely benign for Juvenile polyposis syndrome. Last evaluated: 2016-05-10. Review status: no assertion criteria provided. Collection method: clinical testing. Allele origin: unknown. Not counted in ClinVar's aggregate classification.